The following is an entry in ClinVar:

ClinVar aggregate classification (germline): Uncertain significance (1 of 4 stars; one submission).

Conditions:
Compton-North congenital myopathy (CMYO12). Identifiers: Orphanet 210163, MedGen C2675527, MONDO:0012929, OMIM 612540.

gnomAD v4.1: 4 of 1,613,398 alleles (0.00025%); highest among the groups gnomAD compares: Non-Finnish European, 0.00025%; no homozygotes.

Submission:

Labcorp Genetics (formerly Invitae), Labcorp
Classification: Uncertain significance for Compton-North congenital myopathy. Last evaluated: 2025-06-12. Review status: criteria provided, single submitter. Criteria: Invitae Variant Classification Sherloc (09022015). Collection method: clinical testing. Allele origin: germline.
Comment: This sequence change replaces aspartic acid, which is acidic and polar, with tyrosine, which is neutral and polar, at codon 515 of the CNTN1 protein (p.Asp515Tyr). This variant is not present in population databases (gnomAD no frequency). This variant has not been reported in the literature in individuals affected with CNTN1-related conditions. Invitae Evidence Modeling of protein sequence and biophysical properties (such as structural, functional, and spatial information, amino acid conservation, physicochemical variation, residue mobility, and thermodynamic stability) indicates that this missense variant is not expected to disrupt CNTN1 protein function with a negative predictive value of 95%. In summary, the available evidence is currently insufficient to determine the role of this variant in disease. Therefore, it has been classified as a Variant of Uncertain Significance.

NM_001843.4(CNTN1):c.1543G>T (p.Asp515Tyr)

Gene: CNTN1 (contactin 1; plus strand). Cytogenetic location: 12q12.
Variant type: single nucleotide variant.
Coding change: c.1543G>T on transcript NM_001843.4 (MANE Select); coding-DNA position 1543, G replaced by T.
Protein change: p.Asp515Tyr; replaces aspartic acid 515 with tyrosine.
Molecular consequence: missense variant.
Genome position (GRCh38, 1-based): chr12:40,944,030, G>T. VCF-style: chr12-40944030-G-T. GRCh37 (hg19) VCF-style: chr12-41337832-G-T.
Other names: c.1543G>T, p.Asp515Tyr (NM_001256063.2, NM_001256064.2); c.1510G>T, p.Asp504Tyr (NM_175038.2); short protein forms D504Y, D515Y.
Identifiers: ClinVar variation 4801165 (VCV004801165.1).
Genomic context (GRCh38, chr12:40,944,030, plus strand): 5'-GTGCTTTACATTTAAAAATATATAGATCCTACGCGAATTATATTGGCCCCAATTAATGCC[G>T]ATATCACAGTTGGAGAAAACGCCACCATGCAGTGTGCTGCGTCCTTTGATCCTGCCTTGG-3'
Protein context (NP_001834.2, residues 505-525): TRIILAPINA[Asp515Tyr]ITVGENATMQ